The following is an entry in ClinVar:

ClinVar aggregate classification (germline): Uncertain significance. Review status: criteria provided, multiple submitters, no conflicts (2 of 4 stars). 2 submissions from 2 submitters: Uncertain significance (2). Last evaluated 2025-11-04.

Conditions:
Cowden syndrome 3 (CWS3). Identifiers: Orphanet 201, MedGen CN166604, MONDO:0014045.
Carney-Stratakis syndrome. Also called: PARAGANGLIOMA AND GASTROINTESTINAL STROMAL TUMOR. Identifiers: Orphanet 97286, MedGen C1847319, MONDO:0011740, OMIM 606864.
Pheochromocytoma. Also called: MAX-Related Hereditary Paraganglioma-Pheochromocytoma Syndrome. Identifiers: Orphanet 29072, MedGen C0031511, MONDO:0008233, OMIM 171300, HP:0002666.
Paragangliomas with sensorineural hearing loss. Identifiers: MedGen C1868633.
Hereditary cancer-predisposing syndrome. Also called: Hereditary neoplastic syndrome; Hereditary Cancer Syndrome; Neoplastic Syndromes, Hereditary; Tumor predisposition. Identifiers: Orphanet 140162, MedGen C0027672, MeSH D009386, MONDO:0015356.

Allele frequency attached by ClinVar (database versions not stated): gnomAD exomes below 0.00001.
gnomAD v4.1: 1 of 1,614,108 alleles (0.000062%); highest among the groups gnomAD compares: African/African-American, 0.0013%; no homozygotes.

Submissions (2):

Ambry Genetics
Classification: Uncertain significance for Hereditary cancer-predisposing syndrome. Last evaluated: 2025-11-04. Review status: criteria provided, single submitter. Criteria: Ambry Variant Classification Scheme 2023. Collection method: clinical testing. Allele origin: germline.
Comment: The p.L35P variant (also known as c.104T>C), located in coding exon 2 of the SDHD gene, results from a T to C substitution at nucleotide position 104. The leucine at codon 35 is replaced by proline, an amino acid with similar properties. This amino acid position is conserved. In addition, this alteration is predicted to be deleterious by in silico analysis. Based on the available evidence, the clinical significance of this variant remains unclear.

Labcorp Genetics (formerly Invitae), Labcorp
Classification: Uncertain significance for Carney-Stratakis syndrome; Paragangliomas with sensorineural hearing loss; Pheochromocytoma; Cowden syndrome 3. Last evaluated: 2024-07-19. Review status: criteria provided, single submitter. Criteria: Invitae Variant Classification Sherloc (09022015). Collection method: clinical testing. Allele origin: germline.
Comment: This sequence change replaces leucine, which is neutral and non-polar, with proline, which is neutral and non-polar, at codon 35 of the SDHD protein (p.Leu35Pro). This variant is not present in population databases (gnomAD no frequency). This variant has not been reported in the literature in individuals affected with SDHD-related conditions. ClinVar contains an entry for this variant (Variation ID: 2567225). Advanced modeling of protein sequence and biophysical properties (such as structural, functional, and spatial information, amino acid conservation, physicochemical variation, residue mobility, and thermodynamic stability) has been performed at Invitae for this missense variant, however the output from this modeling did not meet the statistical confidence thresholds required to predict the impact of this variant on SDHD protein function. In summary, the available evidence is currently insufficient to determine the role of this variant in disease. Therefore, it has been classified as a Variant of Uncertain Significance.

NM_003002.4(SDHD):c.104T>C (p.Leu35Pro)

Gene: SDHD (succinate dehydrogenase complex subunit D; plus strand). Cytogenetic location: 11q23.1.
Variant type: single nucleotide variant.
Coding change: c.104T>C on transcript NM_003002.4 (MANE Select); coding-DNA position 104, T replaced by C.
Protein change: p.Leu35Pro; replaces leucine 35 with proline.
Molecular consequence: missense variant. On other transcripts: non-coding transcript variant (1), intron variant (1).
Genome position (GRCh38, 1-based): chr11:112,087,908, T>C. VCF-style: chr11-112087908-T-C. GRCh37 (hg19) VCF-style: chr11-111958632-T-C.
Other names: c.104T>C, p.Leu35Pro (NM_001276503.2, NM_001276506.2); c.52+949T>C (NM_001276504.2); c.104T>C (NM_003002.2); short protein forms L35P.
Identifiers: ClinVar variation 2567225 (VCV002567225.5), dbSNP rs11547892, ClinGen allele CA228551096.